The following is an entry in ClinVar:

ClinVar aggregate classification (germline): Pathogenic. Review status: criteria provided, multiple submitters, no conflicts (2 of 4 stars). 3 submissions from 3 submitters: Pathogenic (3). Last evaluated 2024-01-31.

Conditions:
Hereditary cancer-predisposing syndrome. Also called: Neoplastic Syndromes, Hereditary; Tumor predisposition; Hereditary Cancer Syndrome; Hereditary neoplastic syndrome. Identifiers: Orphanet 140162, MedGen C0027672, MeSH D009386, MONDO:0015356.
Familial cancer of breast. Also called: Hereditary breast cancer; hereditary breast carcinoma; BREAST CANCER, FAMILIAL. Identifiers: Orphanet 227535, MedGen C0346153, MONDO:0016419, OMIM 114480. Disease mechanism: loss of function.
Ataxia-telangiectasia syndrome (AT). Also called: Ataxia telangiectasia (A-T); ATAXIA-TELANGIECTASIA, COMPLEMENTATION GROUP A; ATAXIA-TELANGIECTASIA, FRESNO VARIANT; Ataxia-telangiectasia; Ataxia-telangiectasia, complementation group E; LOUIS-BAR SYNDROME. Identifiers: Orphanet 100, MedGen C0004135, MONDO:0008840, OMIM 208900.

Submissions (3):

Myriad Genetics, Inc.
Classification: Pathogenic for Familial cancer of breast. Last evaluated: 2024-01-31. Review status: criteria provided, single submitter. Criteria: Myriad Autosomal Dominant, Autosomal Recessive and X-Linked Classification Criteria (2023). Collection method: clinical testing. Allele origin: unknown.
Comment: This variant is considered pathogenic. This variant creates a frameshift predicted to result in premature protein truncation.

Labcorp Genetics (formerly Invitae), Labcorp
Classification: Pathogenic for Ataxia-telangiectasia syndrome. Last evaluated: 2023-02-28. Review status: criteria provided, single submitter. Criteria: Invitae Variant Classification Sherloc (09022015). Collection method: clinical testing. Allele origin: germline.
Comment: For these reasons, this variant has been classified as Pathogenic. ClinVar contains an entry for this variant (Variation ID: 1072740). This premature translational stop signal has been observed in individual(s) with breast cancer (PMID: 26976419). This variant is not present in population databases (gnomAD no frequency). This sequence change creates a premature translational stop signal (p.Asp2569Metfs*4) in the ATM gene. It is expected to result in an absent or disrupted protein product. Loss-of-function variants in ATM are known to be pathogenic (PMID: 23807571, 25614872).

Ambry Genetics
Classification: Pathogenic for Hereditary cancer-predisposing syndrome. Last evaluated: 2020-07-31. Review status: criteria provided, single submitter. Criteria: Ambry Variant Classification Scheme 2023. Collection method: clinical testing. Allele origin: germline.
Comment: The c.7705delG pathogenic mutation, located in coding exon 51 of the ATM gene, results from a deletion of one nucleotide at nucleotide position 7705, causing a translational frameshift with a predicted alternate stop codon (p.D2569Mfs*4). This alteration has been reported in a cohort of 488 patients with stages I to III breast cancer who were tested with a 25-gene panel test (Tung N et al. J. Clin. Oncol., 2016 May;34:1460-8). In addition to the clinical data presented in the literature, this alteration is expected to result in loss of function by premature protein truncation or nonsense-mediated mRNA decay. As such, this alteration is interpreted as a disease-causing mutation.

Literature cited by the submitters: PubMed 26976419 (cited by Labcorp Genetics (formerly Invitae), Labcorp and Ambry Genetics); PubMed 23807571 (cited by Labcorp Genetics (formerly Invitae), Labcorp); PubMed 25614872 (cited by Labcorp Genetics (formerly Invitae), Labcorp).

NM_000051.4(ATM):c.7705del (p.Asp2569fs)

Genes: ATM (ATM serine/threonine kinase; plus strand), C11orf65 (chromosome 11 open reading frame 65; minus strand). Cytogenetic location: 11q22.3.
Variant type: Deletion.
Coding change: c.7705del on transcript NM_000051.4 (MANE Select); coding-DNA position 7705, one base deleted (G; older notation c.7705delG).
Protein change: p.Asp2569fs; shifts the reading frame from aspartic acid 2569.
Molecular consequence: frameshift variant. On other transcripts: intron variant (2).
Genome position (GRCh38, 1-based): chr11:108,331,954, G deleted. VCF-style (leftmost placement, unchanged base first): chr11-108331953-AG-A. GRCh37 (hg19) VCF-style: chr11-108202680-AG-A.
Other names: c.7705del, p.Asp2569fs (NM_001351834.2); c.641-22883del (NM_001330368.2); c.*38+3266del (NM_001351110.2); short protein forms D2569fs.
Identifiers: ClinVar variation 1072740 (VCV001072740.11), dbSNP rs2136522117, ClinGen allele CA2499220717.
Genomic context (GRCh38, chr11:108,331,953, plus strand): 5'-TTCAATGGATCACCCCCATCACACTTTGTTTATTATACTGGCCTTAGCAAATGCAAACAG[AG>A]ATGAATTTCTGACTAAACCAGAGGTAGCCAGAAGAAGCAGAATAACTAAAAATGTGCCTA-3'